The following is an entry in ClinVar:

ClinVar aggregate classification (germline): Uncertain significance. Review status: criteria provided, single submitter (1 of 4 stars). 2 submissions from 2 submitters: Uncertain significance (1). 1 of the submissions does not count toward it. Last evaluated 2022-05-27.

Conditions:
SEMA3C-related disorder. Also called: SEMA3C-related condition.

Allele frequency attached by ClinVar (database versions not stated): gnomAD 0.00009; gnomAD exomes 0.00005; ExAC 0.00007; TOPMed 0.00007.
gnomAD v4.1: 93 of 1,603,518 alleles (0.0058%); highest among the groups gnomAD compares: East Asian, 0.013%; no homozygotes.

Submissions (3):

Ambry Genetics
Classification: Uncertain significance. Last evaluated: 2022-05-27. Review status: criteria provided, single submitter. Criteria: Ambry Variant Classification Scheme 2023. Collection method: clinical testing. Allele origin: germline.

PreventionGenetics, part of Exact Sciences
Classification: Likely benign for SEMA3C-related condition. Last evaluated: 2022-04-28. Review status: no assertion criteria provided. Collection method: clinical testing. Allele origin: germline. Not counted in ClinVar's aggregate classification.
Comment: This variant is classified as likely benign based on ACMG/AMP sequence variant interpretation guidelines (Richards et al. 2015 PMID: 25741868, with internal and published modifications).

Dr. Peter K. Rogan Lab, Western University
No classification provided (evidence only). Condition: Malignant tumor of urinary bladder. Review status: no classification provided. Collection method: in vitro. Allele origin: not applicable. Functional consequence: retained intron. Not counted in ClinVar's aggregate classification.

NM_006379.5(SEMA3C):c.110G>A (p.Arg37Gln)

Gene: SEMA3C (semaphorin 3C; minus strand). Cytogenetic location: 7q21.11.
Variant type: single nucleotide variant.
Coding change: c.110G>A on transcript NM_006379.5 (MANE Select); coding-DNA position 110, G replaced by A.
Protein change: p.Arg37Gln; replaces arginine 37 with glutamine.
Molecular consequence: missense variant. On other transcripts: 5 prime UTR variant (1).
Genome position (GRCh38, 1-based): chr7:80,828,739, C>T on the plus strand (G>A on the coding strand, the complement: SEMA3C is on the minus strand). VCF-style: chr7-80828739-C-T. GRCh37 (hg19) VCF-style: chr7-80458055-C-T.
Other names: NC_000007.13:g.80458055C>T; c.164G>A, p.Arg55Gln (NM_001350120.2); c.-65G>A (NM_001350121.2); c.164G>A (NM_001350120.1); short protein forms R55Q, R37Q.
Identifiers: ClinVar variation 2291966 (VCV002291966.5), dbSNP rs762795611, ClinGen allele CA4316558.